The following is an entry in ClinVar:

NM_145239.3(PRRT2):c.1013-5C>G

Genes: MVP-DT (MVP divergent transcript; minus strand), PRRT2 (proline rich transmembrane protein 2; plus strand). Cytogenetic location: 16p11.2.
Variant type: single nucleotide variant.
Coding change: c.1013-5C>G on transcript NM_145239.3 (MANE Select); 5 bases into the intron before coding-DNA position 1013, C replaced by G.
Molecular consequence: intron variant. On other transcripts: synonymous variant (1), 3 prime UTR variant (1).
Genome position (GRCh38, 1-based): chr16:29,814,623, C>G. VCF-style: chr16-29814623-C-G. GRCh37 (hg19) VCF-style: chr16-29825944-C-G.
Other names: c.1170C>G, p.Pro390= (NM_001256442.2); c.*669C>G (NM_001256443.2).
Identifiers: ClinVar variation 1516055 (VCV001516055.11), dbSNP rs2142430404, ClinGen allele CA494583601.

ClinVar aggregate classification (germline): Likely benign. Review status: criteria provided, multiple submitters, no conflicts (2 of 4 stars). 2 submissions from 2 submitters: Likely benign (2). Last evaluated 2025-04-30.

Conditions:
Episodic kinesigenic dyskinesia (EKD). Also called: Paroxysmal kinesigenic dyskinesia. Identifiers: Orphanet 98809, MedGen C1868682, MONDO:0044202.

Allele frequency attached by ClinVar (database versions not stated): gnomAD exomes below 0.00001.
gnomAD v4.1: 2 of 1,613,080 alleles (0.00012%); highest among the groups gnomAD compares: Middle Eastern, 0.016%; no homozygotes.

Submissions (2):

Women's Health and Genetics/Laboratory Corporation of America, LabCorp
Classification: Likely benign. Last evaluated: 2025-04-30. Review status: criteria provided, single submitter. Criteria: LabCorp Variant Classification Summary - May 2015. Collection method: clinical testing. Allele origin: germline.
Comment: Variant summary: PRRT2 c.1013-5C>G alters a non-conserved nucleotide located at a position not widely known to affect splicing. Consensus agreement among computation tools predict no significant impact on normal splicing. However, these predictions have yet to be confirmed by functional studies. This variant, also annotated as PRRT2 NM_001256442: c.1170C>G, p.Pro390Pro, alters a non-conserved nucleotide resulting in a synonymous change. The variant was absent in 248500 control chromosomes. The available data on variant occurrences in the general population are insufficient to allow any conclusion about variant significance. To our knowledge, no occurrence of c.1013-5C>G in individuals affected with Episodic Kinesigenic Dyskinesia 1 and no experimental evidence demonstrating its impact on protein function have been reported. ClinVar contains an entry for this variant (Variation ID: 1516055). Based on the evidence outlined above, the variant was classified as likely benign.

Labcorp Genetics (formerly Invitae), Labcorp
Classification: Likely benign for Episodic kinesigenic dyskinesia. Last evaluated: 2024-02-17. Review status: criteria provided, single submitter. Criteria: Invitae Variant Classification Sherloc (09022015). Collection method: clinical testing. Allele origin: germline.